The following is an entry in ClinVar:

NM_017514.5(PLXNA3):c.719C>A (p.Thr240Lys)

Gene: PLXNA3 (plexin A3; plus strand). Cytogenetic location: Xq28.
Variant type: single nucleotide variant.
Coding change: c.719C>A on transcript NM_017514.5 (MANE Select); coding-DNA position 719, C replaced by A.
Protein change: p.Thr240Lys; replaces threonine 240 with lysine.
Molecular consequence: missense variant.
Genome position (GRCh38, 1-based): chrX:154,461,223, C>A. VCF-style: chrX-154461223-C-A. GRCh37 (hg19) VCF-style: chrX-153689563-C-A.
Other names: NC_000023.10:g.153689563C>A; short protein forms T240K.
Identifiers: ClinVar variation 4479226 (VCV004479226.2).

ClinVar aggregate classification (germline): Uncertain significance (1 of 4 stars; one submission).

Conditions:
PLXNA3-related disorder. Also called: PLXNA3-related condition.

Submissions (2):

PreventionGenetics, part of Exact Sciences
Classification: Uncertain significance for PLXNA3-related condition. Last evaluated: 2026-01-22. Review status: criteria provided, single submitter. Criteria: ACMG Guidelines, 2015. Collection method: clinical testing. Allele origin: germline.
Comment: The PLXNA3 c.719C>A variant is predicted to result in the amino acid substitution p.Thr240Lys. To our knowledge, this variant has not been reported in the literature or in a large population database (gnomAD), indicating this variant is rare. At this time, the clinical significance of this variant is uncertain due to the absence of conclusive functional and genetic evidence.

Dr. Peter K. Rogan Lab, Western University
No classification provided (evidence only). Condition: Thyroid cancer, nonmedullary, 1. Review status: no classification provided. Collection method: in vitro. Allele origin: not applicable. Functional consequence: retained intron. Not counted in ClinVar's aggregate classification.